The following is an entry in ClinVar:

NM_000535.7(PMS2):c.193C>A (p.Leu65Ile)

Gene: PMS2 (PMS1 homolog 2, mismatch repair system component; minus strand). Cytogenetic location: 7p22.1.
Variant type: single nucleotide variant.
Coding change: c.193C>A on transcript NM_000535.7 (MANE Select); coding-DNA position 193, C replaced by A.
Protein change: p.Leu65Ile; replaces leucine 65 with isoleucine.
Molecular consequence: missense variant. On other transcripts: 5 prime UTR variant (11), non-coding transcript variant (1).
Genome position (GRCh38, 1-based): chr7:6,004,029, G>T on the plus strand (C>A on the coding strand, the complement: PMS2 is on the minus strand). VCF-style: chr7-6004029-G-T. GRCh37 (hg19) VCF-style: chr7-6043660-G-T.
Other names: c.-213C>A (NM_001322003.2, NM_001322004.2, NM_001322005.2 and 3 more transcripts); c.193C>A, p.Leu65Ile (NM_001322006.2, NM_001322014.2); c.-23C>A (NM_001322007.2, NM_001322008.2); c.-692C>A (NM_001322011.2, NM_001322012.2); c.-292C>A (NM_001322015.2); short protein forms L65I.
Identifiers: ClinVar variation 566725 (VCV000566725.14), dbSNP rs1562695468, ClinGen allele CA366744877.

ClinVar aggregate classification (germline): Uncertain significance. Review status: criteria provided, multiple submitters, no conflicts (2 of 4 stars). 3 submissions from 3 submitters: Uncertain significance (3). Last evaluated 2023-12-05.

Conditions:
Hereditary nonpolyposis colorectal neoplasms. Identifiers: MedGen C0009405, MeSH D003123.
Hereditary cancer-predisposing syndrome. Also called: Neoplastic Syndromes, Hereditary; Tumor predisposition; Hereditary neoplastic syndrome; Hereditary Cancer Syndrome. Identifiers: Orphanet 140162, MedGen C0027672, MeSH D009386, MONDO:0015356.

Submissions (3):

Color Diagnostics, LLC DBA Color Health
Classification: Uncertain significance for Hereditary cancer-predisposing syndrome. Last evaluated: 2023-12-05. Review status: criteria provided, single submitter. Criteria: ACMG Guidelines, 2015. Collection method: clinical testing. Allele origin: germline.
Comment: This missense variant replaces leucine with isoleucine at codon 65 of the PMS2 protein. Computational prediction is inconclusive regarding the impact of this variant on protein structure and function (internally defined REVEL score threshold 0.5 < inconclusive < 0.7, PMID: 27666373). To our knowledge, functional studies have not been reported for this variant. This variant has not been reported in individuals affected with PMS2-related disorders in the literature. This variant has not been identified in the general population by the Genome Aggregation Database (gnomAD). The available evidence is insufficient to determine the role of this variant in disease conclusively. Therefore, this variant is classified as a Variant of Uncertain Significance.

Labcorp Genetics (formerly Invitae), Labcorp
Classification: Uncertain significance for Hereditary nonpolyposis colorectal neoplasms. Last evaluated: 2022-08-10. Review status: criteria provided, single submitter. Criteria: Invitae Variant Classification Sherloc (09022015). Collection method: clinical testing. Allele origin: germline.
Comment: In summary, the available evidence is currently insufficient to determine the role of this variant in disease. Therefore, it has been classified as a Variant of Uncertain Significance. Advanced modeling of protein sequence and biophysical properties (such as structural, functional, and spatial information, amino acid conservation, physicochemical variation, residue mobility, and thermodynamic stability) performed at Invitae indicates that this missense variant is not expected to disrupt PMS2 protein function. ClinVar contains an entry for this variant (Variation ID: 566725). This variant has not been reported in the literature in individuals affected with PMS2-related conditions. This variant is not present in population databases (gnomAD no frequency). This sequence change replaces leucine, which is neutral and non-polar, with isoleucine, which is neutral and non-polar, at codon 65 of the PMS2 protein (p.Leu65Ile).

Ambry Genetics
Classification: Uncertain significance for Hereditary cancer-predisposing syndrome. Last evaluated: 2022-04-07. Review status: criteria provided, single submitter. Criteria: Ambry Variant Classification Scheme 2023. Collection method: clinical testing. Allele origin: germline.
Comment: The p.L65I variant (also known as c.193C>A), located in coding exon 3 of the PMS2 gene, results from a C to A substitution at nucleotide position 193. The leucine at codon 65 is replaced by isoleucine, an amino acid with highly similar properties. This amino acid position is conserved. In addition, the in silico prediction for this alteration is inconclusive. Since supporting evidence is limited at this time, the clinical significance of this alteration remains unclear.